The following is an entry in ClinVar:

ClinVar aggregate classification (germline): Pathogenic. Review status: criteria provided, multiple submitters, no conflicts (2 of 4 stars). 3 submissions from 3 submitters: Pathogenic (3). Last evaluated 2025-07-23.

Conditions:
SKIN/HAIR/EYE PIGMENTATION 5, BLACK/NONBLACK HAIR (SHEP5). Also called: SKIN/HAIR/EYE PIGMENTATION, VARIATION IN, 5; SKIN/HAIR/EYE PIGMENTATION 5, DARK/FAIR SKIN; SKIN/HAIR/EYE PIGMENTATION 5, DARK/LIGHT EYES. Identifiers: MedGen C2673584, OMIM 227240.
Oculocutaneous albinism type 4 (OCA4). Also called: Albinism, oculocutaneous, type IV. Identifiers: Orphanet 79435, MedGen C1847836, MONDO:0011683, OMIM 606574.

Allele frequency attached by ClinVar (database versions not stated): gnomAD 0.00003; TOPMed 0.00002; ESP Exome Variant Server 0.00008.
gnomAD v4.1: 10 of 1,613,990 alleles (0.00062%); highest among the groups gnomAD compares: Non-Finnish European, 0.00085%; no homozygotes.

Submissions (3):

Labcorp Genetics (formerly Invitae), Labcorp
Classification: Pathogenic. Last evaluated: 2025-07-23. Review status: criteria provided, single submitter. Criteria: Invitae Variant Classification Sherloc (09022015). Collection method: clinical testing. Allele origin: germline.
Comment: This sequence change creates a premature translational stop signal (p.Tyr319*) in the SLC45A2 gene. It is expected to result in an absent or disrupted protein product. Loss-of-function variants in SLC45A2 are known to be pathogenic (PMID: 21458243, 26573111). The frequency data for this variant in the population databases is considered unreliable, as metrics indicate poor data quality at this position in the gnomAD database. This premature translational stop signal has been observed in individual(s) with oculocutaneous albinism (PMID: 27734839). ClinVar contains an entry for this variant (Variation ID: 489020). For these reasons, this variant has been classified as Pathogenic.

GeneDx
Classification: Pathogenic. Last evaluated: 2024-12-19. Review status: criteria provided, single submitter. Criteria: GeneDx Variant Classification Process June 2021. Collection method: clinical testing. Allele origin: germline. Affected: yes.
Comment: Nonsense variant predicted to result in protein truncation or nonsense mediated decay in a gene for which loss of function is a known mechanism of disease; This variant is associated with the following publications: (PMID: 31589614, 37568588, 27734839)

Fulgent Genetics
Classification: Pathogenic for SKIN/HAIR/EYE PIGMENTATION 5, BLACK/NONBLACK HAIR; Oculocutaneous albinism type 4. Last evaluated: 2024-05-23. Review status: criteria provided, single submitter. Criteria: ACMG Guidelines, 2015. Collection method: clinical testing. Allele origin: germline.

Literature cited by the submitters: PubMed 21458243 (cited by Labcorp Genetics (formerly Invitae), Labcorp); PubMed 26573111 (cited by Labcorp Genetics (formerly Invitae), Labcorp); PubMed 27734839 (cited by Labcorp Genetics (formerly Invitae), Labcorp).

NM_016180.5(SLC45A2):c.957C>A (p.Tyr319Ter)

Gene: SLC45A2 (solute carrier family 45 member 2; minus strand). Cytogenetic location: 5p13.2.
Variant type: single nucleotide variant.
Coding change: c.957C>A on transcript NM_016180.5 (MANE Select); coding-DNA position 957, C replaced by A.
Protein change: p.Tyr319Ter; replaces tyrosine 319 with a stop codon.
Molecular consequence: nonsense. On other transcripts: missense variant (1).
Genome position (GRCh38, 1-based): chr5:33,954,436, G>T on the plus strand (C>A on the coding strand, the complement: SLC45A2 is on the minus strand). VCF-style: chr5-33954436-G-T. GRCh37 (hg19) VCF-style: chr5-33954541-G-T.
Other names: c.957C>A, p.Tyr319Ter (NM_001012509.4); c.631C>A, p.Pro211Thr (NM_001297417.4); short protein forms P211T, Y319*.
Identifiers: ClinVar variation 489020 (VCV000489020.11), dbSNP rs200122644, ClinGen allele CA116880263.